The following is an entry in ClinVar:

ClinVar aggregate classification (germline): Uncertain significance. Review status: criteria provided, multiple submitters, no conflicts (2 of 4 stars). 2 submissions from 2 submitters: Uncertain significance (2). Last evaluated 2024-04-07.

gnomAD v4.1: 1 of 1,614,268 alleles (0.000062%); highest among the groups gnomAD compares: South Asian, 0.0011%; no homozygotes.

Submissions (2):

Labcorp Genetics (formerly Invitae), Labcorp
Classification: Uncertain significance. Last evaluated: 2024-04-07. Review status: criteria provided, single submitter. Criteria: Invitae Variant Classification Sherloc (09022015). Collection method: clinical testing. Allele origin: germline.
Comment: This sequence change replaces alanine, which is neutral and non-polar, with threonine, which is neutral and polar, at codon 104 of the EFEMP1 protein (p.Ala104Thr). This variant is not present in population databases (gnomAD no frequency). This variant has not been reported in the literature in individuals affected with EFEMP1-related conditions. An algorithm developed to predict the effect of missense changes on protein structure and function (PolyPhen-2) suggests that this variant is likely to be tolerated. In summary, the available evidence is currently insufficient to determine the role of this variant in disease. Therefore, it has been classified as a Variant of Uncertain Significance.

Blueprint Genetics
Classification: Uncertain significance. Last evaluated: 2023-04-24. Review status: criteria provided, single submitter. Criteria: ACMG Guidelines, 2015. Collection method: clinical testing. Allele origin: germline.

NM_001039348.3(EFEMP1):c.310G>A (p.Ala104Thr)

Gene: EFEMP1 (EGF-like fibulin extracellular matrix protein 1; minus strand). Cytogenetic location: 2p16.1.
Variant type: single nucleotide variant.
Coding change: c.310G>A on transcript NM_001039348.3 (MANE Select); coding-DNA position 310, G replaced by A.
Protein change: p.Ala104Thr; replaces alanine 104 with threonine.
Molecular consequence: missense variant.
Genome position (GRCh38, 1-based): chr2:55,917,872, C>T on the plus strand (G>A on the coding strand, the complement: EFEMP1 is on the minus strand). VCF-style: chr2-55917872-C-T. GRCh37 (hg19) VCF-style: chr2-56145007-C-T.
Other names: c.310G>A, p.Ala104Thr (NM_001039349.3); short protein forms A104T.
Identifiers: ClinVar variation 3693163 (VCV003693163.3).